The following is an entry in ClinVar:

ClinVar aggregate classification (germline): Likely benign (1 of 4 stars; one submission).

Allele frequency attached by ClinVar (database versions not stated): gnomAD exomes 0.00004; TOPMed 0.00004; gnomAD 0.00005; ExAC 0.00007; 1000 Genomes Project 0.00020; 1000 Genomes Project 30x 0.00031.
gnomAD v4.1: 68 of 1,613,810 alleles (0.0042%); highest among the groups gnomAD compares: East Asian, 0.06%; no homozygotes.

Submission:

CeGaT Center for Human Genetics Tuebingen
Classification: Likely benign. Last evaluated: 2022-10-01. Review status: criteria provided, single submitter. Criteria: CeGaT Center For Human Genetics Tuebingen Variant Classification Criteria Version 2. Collection method: clinical testing. Allele origin: germline. Affected: yes. Observed: 1 variant allele.
Comment: MRPL19: BP4, BP7

NM_014763.4(MRPL19):c.600T>C (p.Phe200=)

Gene: MRPL19 (mitochondrial ribosomal protein L19; plus strand). Cytogenetic location: 2p12.
Variant type: single nucleotide variant.
Coding change: c.600T>C on transcript NM_014763.4 (MANE Select); coding-DNA position 600, T replaced by C.
Protein change: p.Phe200=; no amino-acid change (phenylalanine 200 retained).
Molecular consequence: synonymous variant.
Genome position (GRCh38, 1-based): chr2:75,654,860, T>C. VCF-style: chr2-75654860-T-C. GRCh37 (hg19) VCF-style: chr2-75881986-T-C.
Identifiers: ClinVar variation 2651081 (VCV002651081.24), dbSNP rs567728815, ClinGen allele CA1732691.
Genomic context (GRCh38, chr2:75,654,860, plus strand): 5'-GAAACGGCTGGATGATAGCTTGCTATACTTACGAGATGCCCTTCCTGAATATAGCACTTT[T>C]GATGTGAATATGAAGCCAGTAGTACAAGAGCCTAACCAAAAAGTTCCTGTTAATGAGGTA-3'
Protein context (NP_055578.2, residues 190-210): LRDALPEYST[Phe200=]DVNMKPVVQE